The following is an entry in ClinVar:

NM_138694.4(PKHD1):c.11685del (p.Pro3896fs)

Gene: PKHD1 (PKHD1 ciliary IPT domain containing fibrocystin/polyductin; minus strand). Cytogenetic location: 6p12.3.
Variant type: Deletion.
Coding change: c.11685del on transcript NM_138694.4 (MANE Select); coding-DNA position 11685, one base deleted (T; older notation c.11685delT).
Protein change: p.Pro3896fs; shifts the reading frame from proline 3896.
Molecular consequence: frameshift variant.
Genome position (GRCh38, 1-based): chr6:51,627,097, A deleted on the plus strand (T on the coding strand, the reverse complement: PKHD1 is on the minus strand); the first of 2 consecutive A bases (chr6:51,627,097-51,627,098); deleting either gives the same sequence. VCF-style (leftmost placement, unchanged base first): chr6-51627096-GA-G. GRCh37 (hg19) VCF-style: chr6-51491894-GA-G.
Other names: short protein forms P3896fs.
Identifiers: ClinVar variation 2982266 (VCV002982266.3), dbSNP rs1246034197, ClinGen allele CA825711046.

ClinVar aggregate classification (germline): Pathogenic (1 of 4 stars; one submission).

Conditions:
Autosomal recessive polycystic kidney disease (ARPKD). Also called: AR polycystic kidney disease. Identifiers: Orphanet 731, Orphanet 8378, MedGen C0085548, MeSH D017044, MONDO:0009889.

Submission:

Labcorp Genetics (formerly Invitae), Labcorp
Classification: Pathogenic for Autosomal recessive polycystic kidney disease. Last evaluated: 2023-06-06. Review status: criteria provided, single submitter. Criteria: Invitae Variant Classification Sherloc (09022015). Collection method: clinical testing. Allele origin: germline.
Comment: This sequence change creates a premature translational stop signal (p.Pro3896Leufs*35) in the PKHD1 gene. While this is not anticipated to result in nonsense mediated decay, it is expected to disrupt the last 179 amino acid(s) of the PKHD1 protein. This variant is not present in population databases (gnomAD no frequency). This variant has not been reported in the literature in individuals affected with PKHD1-related conditions. For these reasons, this variant has been classified as Pathogenic. This variant disrupts a region of the PKHD1 protein in which other variant(s) (p.Arg3961*) have been determined to be pathogenic (Invitae). This suggests that this is a clinically significant region of the protein, and that variants that disrupt it are likely to be disease-causing.